The following is an entry in ClinVar:

ClinVar aggregate classification (germline): Uncertain significance (1 of 4 stars; one submission).

Submission:

Labcorp Genetics (formerly Invitae), Labcorp
Classification: Uncertain significance. Last evaluated: 2021-12-16. Review status: criteria provided, single submitter. Criteria: Invitae Variant Classification Sherloc (09022015). Collection method: clinical testing. Allele origin: germline.
Comment: This variant is not present in population databases (gnomAD no frequency). This sequence change replaces threonine, which is neutral and polar, with alanine, which is neutral and non-polar, at codon 215 of the ATRN protein (p.Thr215Ala). This variant has not been reported in the literature in individuals affected with ATRN-related conditions. In summary, the available evidence is currently insufficient to determine the role of this variant in disease. Therefore, it has been classified as a Variant of Uncertain Significance. Algorithms developed to predict the effect of missense changes on protein structure and function are either unavailable or do not agree on the potential impact of this missense change (SIFT: "Deleterious"; PolyPhen-2: "Benign"; Align-GVGD: "Class C0").

NM_139321.3(ATRN):c.643A>G (p.Thr215Ala)

Gene: ATRN (attractin; plus strand). Cytogenetic location: 20p13.
Variant type: single nucleotide variant.
Coding change: c.643A>G on transcript NM_139321.3 (MANE Select); coding-DNA position 643, A replaced by G.
Protein change: p.Thr215Ala; replaces threonine 215 with alanine.
Molecular consequence: missense variant.
Genome position (GRCh38, 1-based): chr20:3,545,796, A>G. VCF-style: chr20-3545796-A-G. GRCh37 (hg19) VCF-style: chr20-3526443-A-G.
Other names: c.295A>G, p.Thr99Ala (NM_001207047.3); c.643A>G, p.Thr215Ala (NM_001323332.2, NM_139322.4); short protein forms T99A, T215A.
Identifiers: ClinVar variation 2044153 (VCV002044153.4), dbSNP rs1423859127, ClinGen allele CA408252833.
Genomic context (GRCh38, chr20:3,545,796, plus strand): 5'-CTATAAGAAGTGTGTTTTCATTTCAGTGGCCTCATTGTTCCTGAGAGAGATGGCAATGAG[A>G]CTGTCCCTGAGGTTGTTGCCACATCAGGTTATGCCTTGCTGCATTTTTTTAGTGATGCTG-3'
Protein context (NP_647537.1, residues 205-225): LIVPERDGNE[Thr215Ala]VPEVVATSGY